The following is an entry in ClinVar:

NM_033159.4(HYAL1):c.1277C>G (p.Ala426Gly)

Gene: HYAL1 (hyaluronidase 1; minus strand). Cytogenetic location: 3p21.31.
Variant type: single nucleotide variant.
Coding change: c.1277C>G on transcript NM_033159.4 (MANE Select); coding-DNA position 1277, C replaced by G.
Protein change: p.Ala426Gly; replaces alanine 426 with glycine.
Molecular consequence: missense variant. On other transcripts: non-coding transcript variant (1).
Genome position (GRCh38, 1-based): chr3:50,300,514, G>C on the plus strand (C>G on the coding strand, the complement: HYAL1 is on the minus strand). VCF-style: chr3-50300514-G-C. GRCh37 (hg19) VCF-style: chr3-50337945-G-C.
Other names: c.1277C>G, p.Ala426Gly (NM_153281.2); c.1187C>G, p.Ala396Gly (NM_153282.3); c.731C>G, p.Ala244Gly (NM_153283.3); c.500C>G, p.Ala167Gly (NM_153285.3); short protein forms A426G, A396G, A167G, A244G.
Identifiers: ClinVar variation 346083 (VCV000346083.20), dbSNP rs142342237, ClinGen allele CA2415695.
Genomic context (GRCh38, chr3:50,300,514, plus strand): 5'-TCAATATGTGCAACTCAGTGTGTGGCCAATCACCACATGCTCTTCCGCTCACACCACGGT[G>C]CCTGCCAGCCAGGGTAGCATCGACATTTGAACTCCACAGCCATCTGTGCCTGATCTTCAA-3'
Protein context (NP_149349.2, residues 416-435): FKCRCYPGWQ[Ala426Gly]PWCERKSMW

ClinVar aggregate classification (germline): Benign/Likely benign. Review status: criteria provided, multiple submitters, no conflicts (2 of 4 stars). 5 submissions from 5 submitters: Benign (2); Likely benign (1). 2 of the submissions do not count toward it. Last evaluated 2026-01-31.

Conditions:
HYAL1-related disorder. Also called: HYAL1-related condition.
Deficiency of hyaluronoglucosaminidase (MPS9). Also called: HYALURONIDASE DEFICIENCY; MPS IX; Mucopolysaccharidosis type 9. Identifiers: Orphanet 67041, MedGen C1291490, MONDO:0011093, OMIM 601492.

Allele frequency attached by ClinVar (database versions not stated): ESP Exome Variant Server 0.00677; TOPMed 0.00689; gnomAD exomes 0.00054 and 0.00149; ExAC 0.00182; 1000 Genomes Project 0.00499; 1000 Genomes Project 30x 0.00500; gnomAD 0.00579 and 0.00617.
gnomAD v4.1: 1,686 of 1,614,210 alleles (0.1%); highest among the groups gnomAD compares: African/African-American, 2%; 14 homozygotes.

Submissions (5):

Labcorp Genetics (formerly Invitae), Labcorp
Classification: Benign for Deficiency of hyaluronoglucosaminidase. Last evaluated: 2026-01-31. Review status: criteria provided, single submitter. Criteria: Invitae Variant Classification Sherloc (09022015). Collection method: clinical testing. Allele origin: germline.

PreventionGenetics, part of Exact Sciences
Classification: Likely benign for HYAL1-related condition. Last evaluated: 2024-10-16. Review status: criteria provided, single submitter. Criteria: ACMG Guidelines, 2015. Collection method: clinical testing. Allele origin: germline.
Comment: This variant is classified as likely benign based on ACMG/AMP sequence variant interpretation guidelines (Richards et al. 2015 PMID: 25741868, with internal and published modifications).

Illumina Laboratory Services, Illumina
Classification: Benign for Deficiency of hyaluronoglucosaminidase. Last evaluated: 2018-01-13. Review status: criteria provided, single submitter. Criteria: ICSL Variant Classification Criteria 13 December 2019. Collection method: clinical testing. Allele origin: germline.
Comment: This variant was observed in the ICSL laboratory as part of a predisposition screen in an ostensibly healthy population. It had not been previously curated by ICSL or reported in the Human Gene Mutation Database (HGMD: prior to June 1st, 2018), and was therefore a candidate for classification through an automated scoring system. Utilizing variant allele frequency, disease prevalence and penetrance estimates, and inheritance mode, an automated score was calculated to assess if this variant is too frequent to cause the disease. Based on the score and internal cut-off values, a variant classified as benign is not then subjected to further curation. The score for this variant resulted in a classification of benign for this disease.

Natera, Inc.
Classification: Benign for Mucopolysaccharidosis type IX. Last evaluated: 2019-11-11. Review status: no assertion criteria provided. Collection method: clinical testing. Allele origin: germline. Not counted in ClinVar's aggregate classification.

Mayo Clinic Laboratories, Mayo Clinic
Classification: Benign. Last evaluated: 2017-05-17. Review status: no assertion criteria provided. Collection method: clinical testing. Allele origin: unknown. Not counted in ClinVar's aggregate classification.